The following is an entry in ClinVar:

ClinVar aggregate classification (germline): Uncertain significance (1 of 4 stars; one submission).

Conditions:
Pyridoxal phosphate-responsive seizures (PNPOD). Also called: Pyridoxamine 5-Prime-Phosphate Oxidase Deficiency; Pyridoxine-5'-phosphate oxidase deficiency; EPILEPTIC ENCEPHALOPATHY, NEONATAL, PNPO-RELATED; SEIZURES, PYRIDOXINE-RESISTANT, PLP-SENSITIVE; Pyridoxal 5'-Phosphate (PLP)-Dependent Epilepsy. Identifiers: Orphanet 79096, MedGen C1864723, MONDO:0012407, OMIM 610090. Disease mechanism: loss of function.

Submission:

Labcorp Genetics (formerly Invitae), Labcorp
Classification: Uncertain significance for Pyridoxal phosphate-responsive seizures. Last evaluated: 2021-07-18. Review status: criteria provided, single submitter. Criteria: Invitae Variant Classification Sherloc (09022015). Collection method: clinical testing. Allele origin: germline.
Comment: Experimental studies and prediction algorithms are not available or were not evaluated, and the functional significance of this variant is currently unknown. This variant has not been reported in the literature in individuals affected with PNPO-related conditions. This variant is not present in population databases (ExAC no frequency). This sequence change results in a frameshift in the PNPO gene (p.Glu251Argfs*57). While this is not anticipated to result in nonsense mediated decay, it is expected to disrupt the last 11 amino acid(s) of the PNPO protein and extend the protein by 45 additional amino acid residues. In summary, the available evidence is currently insufficient to determine the role of this variant in disease. Therefore, it has been classified as a Variant of Uncertain Significance.

NM_018129.4(PNPO):c.751del (p.Glu251fs)

Gene: PNPO (pyridoxamine 5'-phosphate oxidase; plus strand). Cytogenetic location: 17q21.32.
Variant type: Deletion.
Coding change: c.751del on transcript NM_018129.4 (MANE Select); coding-DNA position 751, one base deleted (G; older notation c.751delG).
Protein change: p.Glu251fs; shifts the reading frame from glutamic acid 251.
Molecular consequence: frameshift variant.
Genome position (GRCh38, 1-based): chr17:47,946,747, G deleted; the last of 4 consecutive G bases (chr17:47,946,744-47,946,747); deleting any one gives the same sequence. VCF-style (leftmost placement, unchanged base first): chr17-47946743-CG-C. GRCh37 (hg19) VCF-style: chr17-46024109-CG-C.
Other names: short protein forms E251fs.
Identifiers: ClinVar variation 1472916 (VCV001472916.4), dbSNP rs1567714242, ClinGen allele CA2573154136.
Genomic context (GRCh38, chr17:47,946,743, plus strand): 5'-GATAGTCTTTCGGCGGGGCCTACCCACAGGAGATTCCCCTTTGGGGCCCATGACCCACCG[CG>C]GGGAGGAAGACTGGCTCTATGAGAGACTTGCACCTTAACTCTGGGACCTGCTGGCCCAGA-3'